The following is an entry in ClinVar:

ClinVar aggregate classification (germline): Uncertain significance. Review status: criteria provided, multiple submitters, no conflicts (2 of 4 stars). 3 submissions from 3 submitters: Uncertain significance (3). Last evaluated 2025-03-08.

Conditions:
Inborn genetic diseases. Identifiers: MedGen C0950123, MeSH D030342.
Bardet-Biedl syndrome 12 (BBS12). Identifiers: Orphanet 110, MedGen C1859570, MONDO:0014440, OMIM 615989.
Bardet-Biedl syndrome (BBS). Identifiers: Orphanet 110, MedGen C0752166, MONDO:0015229.

Allele frequency attached by ClinVar (database versions not stated): TOPMed 0.00001.
gnomAD v4.1: 9 of 1,613,252 alleles (0.00056%); highest among the groups gnomAD compares: Admixed American, 0.0083%; no homozygotes.

Submissions (3):

Ambry Genetics
Classification: Uncertain significance for Inborn genetic diseases. Last evaluated: 2025-03-08. Review status: criteria provided, single submitter. Criteria: Ambry Variant Classification Scheme 2023. Collection method: clinical testing. Allele origin: germline.

Labcorp Genetics (formerly Invitae), Labcorp
Classification: Uncertain significance for Bardet-Biedl syndrome. Last evaluated: 2024-11-11. Review status: criteria provided, single submitter. Criteria: Invitae Variant Classification Sherloc (09022015). Collection method: clinical testing. Allele origin: germline.
Comment: This sequence change replaces serine, which is neutral and polar, with phenylalanine, which is neutral and non-polar, at codon 36 of the BBS12 protein (p.Ser36Phe). This variant is present in population databases (no rsID available, gnomAD 0.003%). This variant has not been reported in the literature in individuals affected with BBS12-related conditions. ClinVar contains an entry for this variant (Variation ID: 2186923). Invitae Evidence Modeling of protein sequence and biophysical properties (such as structural, functional, and spatial information, amino acid conservation, physicochemical variation, residue mobility, and thermodynamic stability) indicates that this missense variant is expected to disrupt BBS12 protein function with a positive predictive value of 80%. In summary, the available evidence is currently insufficient to determine the role of this variant in disease. Therefore, it has been classified as a Variant of Uncertain Significance.

Fulgent Genetics
Classification: Uncertain significance for Bardet-Biedl syndrome 12. Last evaluated: 2024-05-27. Review status: criteria provided, single submitter. Criteria: ACMG Guidelines, 2015. Collection method: clinical testing. Allele origin: germline.

NM_152618.3(BBS12):c.107C>T (p.Ser36Phe)

Gene: BBS12 (Bardet-Biedl syndrome 12; plus strand). Cytogenetic location: 4q27.
Variant type: single nucleotide variant.
Coding change: c.107C>T on transcript NM_152618.3 (MANE Select); coding-DNA position 107, C replaced by T.
Protein change: p.Ser36Phe; replaces serine 36 with phenylalanine.
Molecular consequence: missense variant.
Genome position (GRCh38, 1-based): chr4:122,741,999, C>T. VCF-style: chr4-122741999-C-T. GRCh37 (hg19) VCF-style: chr4-123663154-C-T.
Other names: c.107C>T (NM_152618.2); c.107C>T, p.Ser36Phe (NM_001178007.2); short protein forms S36F.
Identifiers: ClinVar variation 2186923 (VCV002186923.6), dbSNP rs746302850, ClinGen allele CA105249154.
Genomic context (GRCh38, chr4:122,741,999, plus strand): 5'-TTCAACAACTTTCATCATTCGCGGAAACAGGAAGAACTTTCCTAGGCCCACTAAAATCAT[C>T]CAAATTTATTATAGATGAAGAATGTCATGAAAGTGTATTAATCAGTTCAACAGTAAGGCT-3'
Protein context (NP_689831.2, residues 26-46): GRTFLGPLKS[Ser36Phe]KFIIDEECHE